The following is an entry in ClinVar:

NM_020812.4(DOCK6):c.12C>T (p.Ser4=)

Gene: DOCK6 (dedicator of cytokinesis 6; minus strand). Cytogenetic location: 19p13.2.
Variant type: single nucleotide variant.
Coding change: c.12C>T on transcript NM_020812.4 (MANE Select); coding-DNA position 12, C replaced by T.
Protein change: p.Ser4=; no amino-acid change (serine 4 retained).
Molecular consequence: synonymous variant.
Genome position (GRCh38, 1-based): chr19:11,262,429, G>A on the plus strand (C>T on the coding strand, the complement: DOCK6 is on the minus strand). VCF-style: chr19-11262429-G-A. GRCh37 (hg19) VCF-style: chr19-11373105-G-A.
Other names: c.12C>T, p.Ser4= (NM_001367830.1).
Identifiers: ClinVar variation 2649324 (VCV002649324.24), dbSNP rs560244093, ClinGen allele CA505500082.

ClinVar aggregate classification (germline): Likely benign (1 of 4 stars; one submission).

gnomAD v4.1: 54 of 1,254,576 alleles (0.0043%); highest among the groups gnomAD compares: Non-Finnish European, 0.0053%; no homozygotes.

Submission:

CeGaT Center for Human Genetics Tuebingen
Classification: Likely benign. Last evaluated: 2023-03-01. Review status: criteria provided, single submitter. Criteria: CeGaT Center For Human Genetics Tuebingen Variant Classification Criteria Version 2. Collection method: clinical testing. Allele origin: germline. Affected: yes. Observed: 1 variant allele.
Comment: DOCK6: BP4, BP7